The following is an entry in ClinVar:

ClinVar aggregate classification (germline): Uncertain significance (1 of 4 stars; one submission).

Allele frequency attached by ClinVar (database versions not stated): ExAC 0.00001.

Submission:

Ambry Genetics
Classification: Uncertain significance. Last evaluated: 2023-11-11. Review status: criteria provided, single submitter. Criteria: Ambry Variant Classification Scheme 2023. Collection method: clinical testing. Allele origin: germline.
Comment: The p.R198P variant (also known as c.593G>C), located in coding exon 4 of the MNDA gene, results from a G to C substitution at nucleotide position 593. The arginine at codon 198 is replaced by proline, an amino acid with dissimilar properties. This amino acid position is conserved. In addition, this alteration is predicted to be tolerated by in silico analysis. Since supporting evidence is limited at this time, the clinical significance of this alteration remains unclear.

NM_002432.3(MNDA):c.593G>C (p.Arg198Pro)

Gene: MNDA (myeloid cell nuclear differentiation antigen; plus strand). Cytogenetic location: 1q23.1.
Variant type: single nucleotide variant.
Coding change: c.593G>C on transcript NM_002432.3 (MANE Select); coding-DNA position 593, G replaced by C.
Protein change: p.Arg198Pro; replaces arginine 198 with proline.
Molecular consequence: missense variant.
Genome position (GRCh38, 1-based): chr1:158,845,609, G>C. VCF-style: chr1-158845609-G-C. GRCh37 (hg19) VCF-style: chr1-158815399-G-C.
Other names: short protein forms R198P.
Identifiers: ClinVar variation 3222201 (VCV003222201.1), dbSNP rs780190760, ClinGen allele CA1185662.